The following is an entry in ClinVar:

NM_030662.4(MAP2K2):c.661G>A (p.Asp221Asn)

Gene: MAP2K2 (mitogen-activated protein kinase kinase 2; minus strand). Cytogenetic location: 19p13.3.
Variant type: single nucleotide variant.
Coding change: c.661G>A on transcript NM_030662.4 (MANE Select); coding-DNA position 661, G replaced by A.
Protein change: p.Asp221Asn; replaces aspartic acid 221 with asparagine.
Molecular consequence: missense variant.
Genome position (GRCh38, 1-based): chr19:4,101,063, C>T on the plus strand (G>A on the coding strand, the complement: MAP2K2 is on the minus strand). VCF-style: chr19-4101063-C-T. GRCh37 (hg19) VCF-style: chr19-4101061-C-T.
Other names: short protein forms D221N.
Identifiers: ClinVar variation 930860 (VCV000930860.8), dbSNP rs2041001051, ClinGen allele CA403388478.

ClinVar aggregate classification (germline): Uncertain significance. Review status: criteria provided, multiple submitters, no conflicts (2 of 4 stars). 3 submissions from 3 submitters: Uncertain significance (3). Last evaluated 2025-07-07.

Conditions:
Cardiofaciocutaneous syndrome 4 (CFC4). Also called: MAP2K2-Related Cardiofaciocutaneous Syndrome. Identifiers: Orphanet 1340, MedGen C3809007, MONDO:0014114, OMIM 615280.
RASopathy. Also called: Noonan spectrum disorder; rasopathies. Identifiers: Orphanet 536391, MedGen C5555857, MONDO:0021060.

Allele frequency attached by ClinVar (database versions not stated): gnomAD exomes below 0.00001; gnomAD 0.00001.
gnomAD v4.1: 7 of 1,585,728 alleles (0.00044%); highest among the groups gnomAD compares: Admixed American, 0.0036%; no homozygotes.

Submissions (3):

Labcorp Genetics (formerly Invitae), Labcorp
Classification: Uncertain significance for RASopathy. Last evaluated: 2025-07-07. Review status: criteria provided, single submitter. Criteria: Invitae Variant Classification Sherloc (09022015). Collection method: clinical testing. Allele origin: germline.
Comment: This sequence change replaces aspartic acid, which is acidic and polar, with asparagine, which is neutral and polar, at codon 221 of the MAP2K2 protein (p.Asp221Asn). This variant is not present in population databases (gnomAD no frequency). This variant has not been reported in the literature in individuals affected with MAP2K2-related conditions. ClinVar contains an entry for this variant (Variation ID: 930860). Invitae Evidence Modeling of protein sequence and biophysical properties (such as structural, functional, and spatial information, amino acid conservation, physicochemical variation, residue mobility, and thermodynamic stability) has been performed for this missense variant. However, the output from this modeling did not meet the statistical confidence thresholds required to predict the impact of this variant on MAP2K2 protein function. In summary, the available evidence is currently insufficient to determine the role of this variant in disease. Therefore, it has been classified as a Variant of Uncertain Significance.

Fulgent Genetics
Classification: Uncertain significance for Cardiofaciocutaneous syndrome 4. Last evaluated: 2023-12-30. Review status: criteria provided, single submitter. Criteria: ACMG Guidelines, 2015. Collection method: clinical testing. Allele origin: germline.

Centre for Mendelian Genomics, University Medical Centre Ljubljana
Classification: Uncertain significance for Cardiofaciocutaneous syndrome 4. Last evaluated: 2020-02-13. Review status: criteria provided, single submitter. Criteria: ACMG Guidelines, 2015. Collection method: clinical testing. Allele origin: unknown. Affected: yes.
Comment: This variant was classified as: Uncertain significance. The available evidence on this variant's pathogenicity is insufficient or conflicting. The following ACMG criteria were applied in classifying this variant: PM2,PP3.